The following is an entry in ClinVar:

ClinVar aggregate classification (germline): Uncertain significance. Review status: criteria provided, multiple submitters, no conflicts (2 of 4 stars). 3 submissions from 3 submitters: Uncertain significance (3). Last evaluated 2025-12-30.

Conditions:
Inborn genetic diseases. Identifiers: MedGen C0950123, MeSH D030342.

Allele frequency attached by ClinVar (database versions not stated): gnomAD exomes 0.00001 and 0.00002; TOPMed 0.00003; gnomAD 0.00005 and 0.00006.

Submissions (3):

Ambry Genetics
Classification: Uncertain significance for Inborn genetic diseases. Last evaluated: 2025-12-30. Review status: criteria provided, single submitter. Criteria: Ambry Variant Classification Scheme 2023. Collection method: clinical testing. Allele origin: germline.

Labcorp Genetics (formerly Invitae), Labcorp
Classification: Uncertain significance. Last evaluated: 2024-06-26. Review status: criteria provided, single submitter. Criteria: Invitae Variant Classification Sherloc (09022015). Collection method: clinical testing. Allele origin: germline.
Comment: This sequence change replaces methionine, which is neutral and non-polar, with leucine, which is neutral and non-polar, at codon 1389 of the CACNA1F protein (p.Met1389Leu). This variant is present in population databases (no rsID available, gnomAD 0.001%). This variant has not been reported in the literature in individuals affected with CACNA1F-related conditions. ClinVar contains an entry for this variant (Variation ID: 1477392). Advanced modeling of protein sequence and biophysical properties (such as structural, functional, and spatial information, amino acid conservation, physicochemical variation, residue mobility, and thermodynamic stability) performed at Invitae indicates that this missense variant is not expected to disrupt CACNA1F protein function with a negative predictive value of 80%. In summary, the available evidence is currently insufficient to determine the role of this variant in disease. Therefore, it has been classified as a Variant of Uncertain Significance.

Blueprint Genetics
Classification: Uncertain significance. Last evaluated: 2023-03-23. Review status: criteria provided, single submitter. Criteria: ACMG Guidelines, 2015. Collection method: clinical testing. Allele origin: germline.

NM_001256789.3(CACNA1F):c.4132A>T (p.Met1378Leu)

Gene: CACNA1F (calcium voltage-gated channel subunit alpha1 F; minus strand). Cytogenetic location: Xp11.23.
Variant type: single nucleotide variant.
Coding change: c.4132A>T on transcript NM_001256789.3 (MANE Select); coding-DNA position 4132, A replaced by T.
Protein change: p.Met1378Leu; replaces methionine 1378 with leucine.
Molecular consequence: missense variant.
Genome position (GRCh38, 1-based): chrX:49,211,450, T>A on the plus strand (A>T on the coding strand, the complement: CACNA1F is on the minus strand). VCF-style: chrX-49211450-T-A. GRCh37 (hg19) VCF-style: chrX-49067910-T-A.
Other names: c.4165A>T (NM_005183.2); c.3970A>T, p.Met1324Leu (NM_001256790.3); c.4165A>T, p.Met1389Leu (NM_005183.4); short protein forms M1389L, M1324L, M1378L.
Identifiers: ClinVar variation 1477392 (VCV001477392.8), dbSNP rs1418215990, ClinGen allele CA412961744.